The following is an entry in ClinVar:

ClinVar aggregate classification (germline): Uncertain significance. Review status: criteria provided, multiple submitters, no conflicts (2 of 4 stars). 2 submissions from 2 submitters: Uncertain significance (2). Last evaluated 2026-01-27.

Conditions:
Hypertrophic cardiomyopathy 19. Also called: Familial hypertrophic cardiomyopathy 19. Identifiers: MedGen CN077603, MONDO:0013476.

Allele frequency attached by ClinVar (database versions not stated): ExAC 0.00004; gnomAD exomes 0.00005; gnomAD 0.00007 and 0.00008; ESP Exome Variant Server 0.00008; TOPMed 0.00010.
gnomAD v4.1: 229 of 1,607,256 alleles (0.014%); highest among the groups gnomAD compares: Non-Finnish European, 0.018%; 1 homozygote.

Submissions (2):

Labcorp Genetics (formerly Invitae), Labcorp
Classification: Uncertain significance for Hypertrophic cardiomyopathy 19. Last evaluated: 2026-01-27. Review status: criteria provided, single submitter. Criteria: Invitae Variant Classification Sherloc (09022015). Collection method: clinical testing. Allele origin: germline.
Comment: This sequence change replaces arginine, which is basic and polar, with isoleucine, which is neutral and non-polar, at codon 308 of the CALR3 protein (p.Arg308Ile). This variant is present in population databases (rs369518093, gnomAD 0.009%). This variant has not been reported in the literature in individuals affected with CALR3-related conditions. ClinVar contains an entry for this variant (Variation ID: 1421633). Invitae Evidence Modeling of protein sequence and biophysical properties (such as structural, functional, and spatial information, amino acid conservation, physicochemical variation, residue mobility, and thermodynamic stability) indicates that this missense variant is not expected to disrupt CALR3 protein function with a negative predictive value of 80%. In summary, the available evidence is currently insufficient to determine the role of this variant in disease. Therefore, it has been classified as a Variant of Uncertain Significance.

Ambry Genetics
Classification: Uncertain significance. Last evaluated: 2023-04-27. Review status: criteria provided, single submitter. Criteria: Ambry Variant Classification Scheme 2023. Collection method: clinical testing. Allele origin: germline.

NM_145046.5(CALR3):c.923G>T (p.Arg308Ile)

Gene: CALR3 (calreticulin 3; minus strand). Cytogenetic location: 19p13.11.
Variant type: single nucleotide variant.
Coding change: c.923G>T on transcript NM_145046.5 (MANE Select); coding-DNA position 923, G replaced by T.
Protein change: p.Arg308Ile; replaces arginine 308 with isoleucine.
Molecular consequence: missense variant.
Genome position (GRCh38, 1-based): chr19:16,480,702, C>A on the plus strand (G>T on the coding strand, the complement: CALR3 is on the minus strand). VCF-style: chr19-16480702-C-A. GRCh37 (hg19) VCF-style: chr19-16591513-C-A.
Other names: c.923G>T (NM_145046.3); short protein forms R308I.
Identifiers: ClinVar variation 1421633 (VCV001421633.8), dbSNP rs369518093, ClinGen allele CA9278230.